The following is an entry in ClinVar:

ClinVar aggregate classification (germline): Conflicting classifications of pathogenicity. Review status: criteria provided, conflicting classifications (1 of 4 stars). 2 submissions from 2 submitters: Pathogenic (1); Uncertain significance (1). Last evaluated 2025-03-12.

Allele frequency attached by ClinVar (database versions not stated): gnomAD 0.00001; gnomAD exomes 0.00001.

Submissions (2):

Labcorp Genetics (formerly Invitae), Labcorp
Classification: Pathogenic. Last evaluated: 2025-03-12. Review status: criteria provided, single submitter. Criteria: Invitae Variant Classification Sherloc (09022015). Collection method: clinical testing. Allele origin: germline.
Comment: This sequence change creates a premature translational stop signal (p.Gln459*) in the ROR2 gene. While this is not anticipated to result in nonsense mediated decay, it is expected to disrupt the last 485 amino acid(s) of the ROR2 protein. This variant is present in population databases (no rsID available, gnomAD 0.02%). This variant has not been reported in the literature in individuals affected with ROR2-related conditions. ClinVar contains an entry for this variant (Variation ID: 1932498). This variant disrupts a region of the ROR2 protein in which other variant(s) (p.Trp720*) have been determined to be pathogenic (PMID: 10932187). This suggests that this is a clinically significant region of the protein, and that variants that disrupt it are likely to be disease-causing. For these reasons, this variant has been classified as Pathogenic.

Blueprint Genetics
Classification: Uncertain significance. Last evaluated: 2024-09-18. Review status: criteria provided, single submitter. Criteria: ACMG Guidelines, 2015. Collection method: clinical testing. Allele origin: germline.

Literature cited by the submitters: PubMed 10932187 (cited by Labcorp Genetics (formerly Invitae), Labcorp).

NM_004560.4(ROR2):c.1375C>T (p.Gln459Ter)

Gene: ROR2 (ROR family WNT receptor 2; minus strand). Cytogenetic location: 9q22.31.
Variant type: single nucleotide variant.
Coding change: c.1375C>T on transcript NM_004560.4 (MANE Select); coding-DNA position 1375, C replaced by T.
Protein change: p.Gln459Ter; replaces glutamine 459 with a stop codon.
Molecular consequence: nonsense. On other transcripts: 3 prime UTR variant (1).
Genome position (GRCh38, 1-based): chr9:91,726,552, G>A on the plus strand (C>T on the coding strand, the complement: ROR2 is on the minus strand). VCF-style: chr9-91726552-G-A. GRCh37 (hg19) VCF-style: chr9-94488834-G-A.
Other names: c.*42C>T (NM_001318204.2); short protein forms Q459*.
Identifiers: ClinVar variation 1932498 (VCV001932498.5), dbSNP rs1386358302, ClinGen allele CA373799267.